The following is an entry in ClinVar:

NM_000141.5(FGFR2):c.2302-895del

Gene: FGFR2 (fibroblast growth factor receptor 2; minus strand). Cytogenetic location: 10q26.13.
Variant type: Deletion.
Coding change: c.2302-895del on transcript NM_000141.5 (MANE Select); 895 bases into the intron before coding-DNA position 2302, one base deleted (T; older notation c.2302-895delT).
Molecular consequence: intron variant.
Genome position (GRCh38, 1-based): chr10:121,480,916, A deleted on the plus strand (T on the coding strand, the reverse complement: FGFR2 is on the minus strand); the first of 10 consecutive A bases (chr10:121,480,916-121,480,925); deleting any one gives the same sequence. VCF-style (leftmost placement, unchanged base first): chr10-121480915-GA-G. GRCh37 (hg19) VCF-style: chr10-123240429-GA-G.
Other names: c.1966-895del (NM_001144914.1); c.1951-895del (NM_001144918.2); c.1951-803del (NM_001441091.1); c.1957-895del (NM_001441090.1, NM_001144916.2); c.2029-895del (NM_001441089.1); c.2035-895del (NM_023029.3); c.2032-895del (NM_001441088.1); c.1954-895del (NM_001144917.2); and 5 more.
Identifiers: ClinVar variation 2640884 (VCV002640884.24), dbSNP rs544708011, ClinGen allele CA214952629.

ClinVar aggregate classification (germline): Benign (1 of 4 stars; one submission).

Submission:

CeGaT Center for Human Genetics Tuebingen
Classification: Benign. Last evaluated: 2022-04-01. Review status: criteria provided, single submitter. Criteria: CeGaT Center For Human Genetics Tuebingen Variant Classification Criteria Version 2. Collection method: clinical testing. Allele origin: germline. Affected: yes. Observed: 1 variant allele.
Comment: FGFR2: BS1, BS2